The following is an entry in ClinVar:

ClinVar aggregate classification (germline): Uncertain significance. Review status: criteria provided, multiple submitters, no conflicts (2 of 4 stars). 2 submissions from 2 submitters: Uncertain significance (2). Last evaluated 2025-08-28.

Conditions:
Inborn genetic diseases. Identifiers: MedGen C0950123, MeSH D030342.

Allele frequency attached by ClinVar (database versions not stated): gnomAD 0.00001; gnomAD exomes 0.00001 and 0.00002; TOPMed 0.00001; ExAC 0.00003.
gnomAD v4.1: 21 of 1,613,602 alleles (0.0013%); highest among the groups gnomAD compares: Middle Eastern, 0.016%; no homozygotes.

Submissions (2):

Ambry Genetics
Classification: Uncertain significance for Inborn genetic diseases. Last evaluated: 2025-08-28. Review status: criteria provided, single submitter. Criteria: Ambry Variant Classification Scheme 2023. Collection method: clinical testing. Allele origin: germline.

Labcorp Genetics (formerly Invitae), Labcorp
Classification: Uncertain significance. Last evaluated: 2022-08-10. Review status: criteria provided, single submitter. Criteria: Invitae Variant Classification Sherloc (09022015). Collection method: clinical testing. Allele origin: germline.
Comment: This sequence change replaces arginine with cysteine at codon 561 of the ARMC9 protein (p.Arg561Cys). The arginine residue is moderately conserved and there is a large physicochemical difference between arginine and cysteine. This variant is present in population databases (rs779370192, gnomAD 0.01%). This variant has not been reported in the literature in individuals affected with ARMC9-related conditions. ClinVar contains an entry for this variant (Variation ID: 1054489). In summary, the available evidence is currently insufficient to determine the role of this variant in disease. Therefore, it has been classified as a Variant of Uncertain Significance. Experimental studies and prediction algorithms are not available or were not evaluated, and the functional significance of this variant is currently unknown.

NM_001352754.2(ARMC9):c.1681C>T (p.Arg561Cys)

Gene: ARMC9 (armadillo repeat containing 9; plus strand). Cytogenetic location: 2q37.1.
Variant type: single nucleotide variant.
Coding change: c.1681C>T on transcript NM_001352754.2 (MANE Select); coding-DNA position 1681, C replaced by T.
Protein change: p.Arg561Cys; replaces arginine 561 with cysteine.
Molecular consequence: missense variant. On other transcripts: non-coding transcript variant (1).
Genome position (GRCh38, 1-based): chr2:231,291,407, C>T. VCF-style: chr2-231291407-C-T. GRCh37 (hg19) VCF-style: chr2-232156120-C-T.
Other names: c.1681C>T, p.Arg561Cys (NM_001271466.4, NM_001291656.2, NM_001352755.2 and 3 more transcripts); c.1582C>T, p.Arg528Cys (NM_001352757.2, NM_001352758.2); c.1681C>T (NM_025139.3); short protein forms R528C, R561C.
Identifiers: ClinVar variation 1054489 (VCV001054489.8), dbSNP rs779370192, ClinGen allele CA2160437.